The following is an entry in ClinVar:

NM_139276.3(STAT3):c.2104G>A (p.Ala702Thr)

Gene: STAT3 (signal transducer and activator of transcription 3; minus strand). Cytogenetic location: 17q21.2.
Variant type: single nucleotide variant.
Coding change: c.2104G>A on transcript NM_139276.3 (MANE Select); coding-DNA position 2104, G replaced by A.
Protein change: p.Ala702Thr; replaces alanine 702 with threonine.
Molecular consequence: missense variant. On other transcripts: intron variant (1).
Genome position (GRCh38, 1-based): chr17:42,317,222, C>T on the plus strand (G>A on the coding strand, the complement: STAT3 is on the minus strand). VCF-style: chr17-42317222-C-T. GRCh37 (hg19) VCF-style: chr17-40469240-C-T.
Other names: c.2104G>A, p.Ala702Thr (NM_001369512.1, NM_001369513.1, NM_001369517.1 and 3 more transcripts); c.2101G>A, p.Ala701Thr (NM_001369514.1, NM_001369516.1, NM_001369519.1 and 2 more transcripts); c.2020G>A, p.Ala674Thr (NM_001384984.1); c.2026G>A, p.Ala676Thr (NM_001384985.1); c.2116G>A, p.Ala706Thr (NM_001384986.1); c.2083G>A, p.Ala695Thr (NM_001384987.1); c.2005G>A, p.Ala669Thr (NM_001384989.1); c.2119G>A, p.Ala707Thr (NM_001384990.1); and 3 more; short protein forms A702T, A701T, A669T, A674T, A676T, A682T, A693T, A695T.
Identifiers: ClinVar variation 756522 (VCV000756522.14), dbSNP rs747667389, ClinGen allele CA8575160.
Genomic context (GRCh38, chr17:42,317,222, plus strand): 5'-GGGGAAAGGAAGCCACTTACGGTGTCACACAGATAAACTTGGTCTTCAGGTATGGGGCAG[C>T]GCCTGGGAAGAAGAAAACCAGTTTTCTTACTGACTGTGACTTCGCATTCAGTAAGCAGAG-3'
Protein context (NP_644805.1, residues 692-712): QEHPEADPGS[Ala702Thr]APYLKTKFIC

ClinVar aggregate classification (germline): Conflicting classifications of pathogenicity. Review status: criteria provided, conflicting classifications (1 of 4 stars). 4 submissions from 4 submitters: Uncertain significance (1); Likely benign (2). 1 of the submissions does not count toward it. Last evaluated 2026-02-20.

Conditions:
STAT3-related disorder. Also called: STAT3-related condition.
Hyper-IgE recurrent infection syndrome 1, autosomal dominant. Also called: Hyper-IgE recurrent infection syndrome 1; JOB SYNDROME; Job's Syndrome; HYPER-IgE SYNDROME 1, AUTOSOMAL DOMINANT, WITH RECURRENT INFECTIONS; STAT3 Hyper IgE Syndrome. Identifiers: Orphanet 2314, MedGen C2936739, MONDO:0007818, OMIM 147060.
STAT3 gain of function. Identifiers: MedGen C4288261.

Allele frequency attached by ClinVar (database versions not stated): gnomAD 0.00001 and 0.00002; TOPMed 0.00004; gnomAD exomes 0.00011; ExAC 0.00013.
gnomAD v4.1: 47 of 1,613,642 alleles (0.0029%); highest among the groups gnomAD compares: Admixed American, 0.042%; no homozygotes.

Submissions (4):

PreventionGenetics, part of Exact Sciences
Classification: Uncertain significance for STAT3-related condition. Last evaluated: 2026-02-20. Review status: criteria provided, single submitter. Criteria: ACMG Guidelines, 2015. Collection method: clinical testing. Allele origin: germline.
Comment: The STAT3 c.2104G>A variant is predicted to result in the amino acid substitution p.Ala702Thr. This variant has been reported as a germline variant in an individual with pancreatic adenosquamous carcinoma (Supplemental Data, Ma et al. 2020. PubMed ID: 31958074). This variant is reported in 0.054% of alleles in individuals of Latino descent in gnomAD and is interpreted as likely benign in ClinVar (Variation ID: 756522). Although we suspect that this variant may be benign, at this time, the clinical significance of this variant is uncertain due to the absence of conclusive functional and genetic evidence.

Labcorp Genetics (formerly Invitae), Labcorp
Classification: Likely benign for STAT3 gain of function; Hyper-IgE recurrent infection syndrome 1, autosomal dominant. Last evaluated: 2025-04-07. Review status: criteria provided, single submitter. Criteria: Invitae Variant Classification Sherloc (09022015). Collection method: clinical testing. Allele origin: germline.

Blueprint Genetics
Classification: Likely benign. Last evaluated: 2022-04-26. Review status: criteria provided, single submitter. Criteria: ACMG Guidelines, 2015. Collection method: clinical testing. Allele origin: germline.

Laboratory of Research in Genomics, Genetics and Bioinformatics, Hospital Infantil de Mexico Federico Gomez
Classification: Likely pathogenic for Hyper-IgE recurrent infection syndrome 1, autosomal dominant. Last evaluated: 2025-04-08. Review status: no assertion criteria provided. Collection method: research. Allele origin: germline. Affected: yes. Not counted in ClinVar's aggregate classification.